The following is an entry in ClinVar:

NM_023034.2(NSD3):c.1314G>A (p.Val438=)

Gene: NSD3 (nuclear receptor binding SET domain protein 3; minus strand). Cytogenetic location: 8p11.23.
Variant type: single nucleotide variant.
Coding change: c.1314G>A on transcript NM_023034.2 (MANE Select); coding-DNA position 1314, G replaced by A.
Protein change: p.Val438=; no amino-acid change (valine 438 retained).
Molecular consequence: synonymous variant.
Genome position (GRCh38, 1-based): chr8:38,329,645, C>T on the plus strand (G>A on the coding strand, the complement: NSD3 is on the minus strand). VCF-style: chr8-38329645-C-T. GRCh37 (hg19) VCF-style: chr8-38187163-C-T.
Other names: c.1314G>A, p.Val438= (NM_017778.3).
Identifiers: ClinVar variation 3044380 (VCV003044380.2), dbSNP rs1437974820, ClinGen allele CA460498792.
Genomic context (GRCh38, chr8:38,329,645, plus strand): 5'-CGCACTTGTGTGCCGCCTCTGGCTATGTCTCCGAATTTCAGTACTTGAGAGTGAGGAGGC[C>T]ACCTCCCCTGCATTGGTCTGTTCTGGCTGAGTATTCAGCACAGATCTTGGTCGTCGGGTT-3'
Protein context (NP_075447.1, residues 428-448): TQPEQTNAGE[Val438=]ASSLSSTEIR

ClinVar aggregate classification (germline): Likely benign (0 of 4 stars; one submission).

Conditions:
NSD3-related disorder. Also called: NSD3-related condition.

Allele frequency attached by ClinVar (database versions not stated): gnomAD exomes 0.00001.
gnomAD v4.1: 5 of 1,614,204 alleles (0.00031%); highest among the groups gnomAD compares: Non-Finnish European, 0.00042%; no homozygotes.

Submission:

PreventionGenetics, part of Exact Sciences
Classification: Likely benign for NSD3-related condition. Last evaluated: 2022-10-25. Review status: no assertion criteria provided. Collection method: clinical testing. Allele origin: germline.
Comment: This variant is classified as likely benign based on ACMG/AMP sequence variant interpretation guidelines (Richards et al. 2015 PMID: 25741868, with internal and published modifications).